The following is an entry in ClinVar:

NC_000005.9:g.(?_1253843)_(1258794_?)dup

Gene: TERT (telomerase reverse transcriptase; minus strand). Cytogenetic location: 5p15.33.
Variant type: Duplication.
Identifiers: ClinVar variation 1412964 (VCV001412964.3).

ClinVar aggregate classification (germline): Uncertain significance (1 of 4 stars; one submission).

Conditions:
Dyskeratosis congenita, autosomal dominant 2. Identifiers: MedGen C3151443, MONDO:0013521, OMIM 613989.
Idiopathic Pulmonary Fibrosis. Also called: Idiopathic fibrosing alveolitis, chronic form; idiopathic fibrosing alveolitis. Identifiers: Orphanet 2032, MedGen C1800706, MeSH D054990, MONDO:0800504.

Submission:

Labcorp Genetics (formerly Invitae), Labcorp
Classification: Uncertain significance for Dyskeratosis congenita, autosomal dominant 2; Idiopathic Pulmonary Fibrosis. Last evaluated: 2022-07-10. Review status: criteria provided, single submitter. Criteria: Invitae Variant Classification Sherloc (09022015). Collection method: clinical testing. Allele origin: germline.
Comment: This variant results in a copy number gain of the genomic region encompassing exon(s) 13-16 of the TERT gene. This region includes the termination codon of the gene. This copy number gain extends beyond the assayed region for this gene and therefore may encompass additional genes. As the precise location of this event is unknown, it may be in tandem or it may be located elsewhere in the genome. This variant has not been reported in the literature in individuals affected with TERT-related conditions. Experimental studies and prediction algorithms are not available or were not evaluated, and the functional significance of this variant is currently unknown. In summary, the available evidence is currently insufficient to determine the role of this variant in disease. Therefore, it has been classified as a Variant of Uncertain Significance.